The following is an entry in ClinVar:

ClinVar aggregate classification (germline): Likely pathogenic (1 of 4 stars; one submission).

Conditions:
POMC-related disorder. Also called: POMC-related condition; POMC-related disorders.

gnomAD v4.1: 31 of 1,613,566 alleles (0.0019%); highest among the groups gnomAD compares: Non-Finnish European, 0.0025%; no homozygotes.

Submission:

PreventionGenetics, part of Exact Sciences
Classification: Likely pathogenic for POMC-related condition. Last evaluated: 2025-02-19. Review status: criteria provided, single submitter. Criteria: ACMG Guidelines, 2015. Collection method: clinical testing. Allele origin: germline.
Comment: The POMC c.683G>C variant is predicted to result in the amino acid substitution p.Trp228Ser. This variant has been reported in the heterozygous state in an individual with severe obesity (Courbage et al 2021. PubMed ID: 34097736). This variant was also observed in a cohort of obese individuals, and in vitro functional studies show strong evidence of loss of function (Supplemental Data Set, Shah et al. 2023. PubMed ID: 36864747). It is reported in 0.0035% of alleles in individuals of European (non-Finnish) descent in gnomAD. This variant is interpreted as likely pathogenic.

NM_000939.4(POMC):c.683G>C (p.Trp228Ser)

Gene: POMC (proopiomelanocortin; minus strand). Cytogenetic location: 2p23.3.
Variant type: single nucleotide variant.
Coding change: c.683G>C on transcript NM_000939.4 (MANE Select); coding-DNA position 683, G replaced by C.
Protein change: p.Trp228Ser; replaces tryptophan 228 with serine.
Molecular consequence: missense variant.
Genome position (GRCh38, 1-based): chr2:25,161,202, C>G on the plus strand (G>C on the coding strand, the complement: POMC is on the minus strand). VCF-style: chr2-25161202-C-G. GRCh37 (hg19) VCF-style: chr2-25384071-C-G.
Other names: c.683G>C, p.Trp228Ser (NM_001035256.3, NM_001319204.2, NM_001319205.2); short protein forms W228S.
Identifiers: ClinVar variation 4985827 (VCV004985827.1).